The following is an entry in ClinVar:

ClinVar aggregate classification (germline): Uncertain significance (1 of 4 stars; one submission).

Conditions:
Leigh syndrome (NULS). Also called: Leigh's necrotizing encephalopathy; Leigh's disease; Leigh Syndrome (mtDNA deletion); Leigh Disease; Subacute necrotizing encephalopathy; Necrotizing encephalopathy infantile subacute of Leigh. Identifiers: Orphanet 506, MedGen C2931891, MONDO:0009723, OMIM 256000.

Submission:

Wong Mito Lab, Molecular and Human Genetics, Baylor College of Medicine
Classification: Uncertain significance for Leigh syndrome. Last evaluated: 2019-10-17. Review status: criteria provided, single submitter. Criteria: Modified ACMG Guidelines (Unpublished). Collection method: clinical testing. Allele origin: germline.
Comment: The NC_012920.1:m.9217A>G (YP_003024032.1:p.Gln4Arg) variant in MTCO3 gene is interpretated to be a Uncertain Significance variant based on the modified ACMG guidelines (unpublished). This variant meets the following evidence codes: PP4

NC_012920.1(MT-CO3):m.9217A>G

Gene: MT-CO3 (mitochondrially encoded cytochrome c oxidase III; plus strand).
Variant type: single nucleotide variant.
Genome position: chrM-9217-A-G.
Identifiers: ClinVar variation 693128 (VCV000693128.1), dbSNP rs1603222182, ClinGen allele CA414802453.